The following is an entry in ClinVar:

ClinVar aggregate classification (germline): Uncertain significance. Review status: criteria provided, multiple submitters, no conflicts (2 of 4 stars). 2 submissions from 2 submitters: Uncertain significance (2). Last evaluated 2024-09-29.

Conditions:
Naxos disease (NXD). Also called: PALMOPLANTAR KERATODERMA WITH ARRHYTHMOGENIC RIGHT VENTRICULAR CARDIOMYOPATHY AND WOOLLY HAIR; WOOLLY HAIR, PALMOPLANTAR KERATODERMA, AND CARDIAC ABNORMALITIES; KERATOSIS PALMOPLANTARIS WITH ARRHYTHMOGENIC CARDIOMYOPATHY; MAL DE NAXOS; CARDIOMYOPATHY, ARRHYTHMOGENIC RIGHT VENTRICULAR, WITH SKIN, HAIR, AND NAIL ABNORMALITIES. Identifiers: Orphanet 34217, MedGen C1832600, MONDO:0011017, OMIM 601214.
Arrhythmogenic right ventricular dysplasia 12. Also called: ARRHYTHMOGENIC RIGHT VENTRICULAR DYSPLASIA, FAMILIAL, 12. Identifiers: MedGen C1969081, MONDO:0012684, OMIM 611528.
Cardiovascular phenotype. Identifiers: MedGen CN230736.

Allele frequency attached by ClinVar (database versions not stated): gnomAD exomes below 0.00001.
gnomAD v4.1: 2 of 1,600,970 alleles (0.00012%); highest among the groups gnomAD compares: Admixed American, 0.0017%; no homozygotes.

Submissions (2):

Labcorp Genetics (formerly Invitae), Labcorp
Classification: Uncertain significance for Arrhythmogenic right ventricular dysplasia 12; Naxos disease. Last evaluated: 2024-09-29. Review status: criteria provided, single submitter. Criteria: Invitae Variant Classification Sherloc (09022015). Collection method: clinical testing. Allele origin: germline.
Comment: This sequence change replaces alanine, which is neutral and non-polar, with serine, which is neutral and polar, at codon 162 of the JUP protein (p.Ala162Ser). This variant is present in population databases (no rsID available, gnomAD 0.003%). This variant has not been reported in the literature in individuals affected with JUP-related conditions. ClinVar contains an entry for this variant (Variation ID: 1450398). An algorithm developed to predict the effect of missense changes on protein structure and function (PolyPhen-2) suggests that this variant is likely to be disruptive. In summary, the available evidence is currently insufficient to determine the role of this variant in disease. Therefore, it has been classified as a Variant of Uncertain Significance.

Ambry Genetics
Classification: Uncertain significance for Cardiovascular phenotype. Last evaluated: 2022-05-20. Review status: criteria provided, single submitter. Criteria: Ambry Variant Classification Scheme 2023. Collection method: clinical testing. Allele origin: germline.
Comment: The p.A162S variant (also known as c.484G>T), located in coding exon 3 of the JUP gene, results from a G to T substitution at nucleotide position 484. The alanine at codon 162 is replaced by serine, an amino acid with similar properties. This amino acid position is conserved. In addition, the in silico prediction for this alteration is inconclusive. Since supporting evidence is limited at this time, the clinical significance of this alteration remains unclear.

NM_002230.4(JUP):c.484G>T (p.Ala162Ser)

Gene: JUP (junction plakoglobin; minus strand). Cytogenetic location: 17q21.2.
Variant type: single nucleotide variant.
Coding change: c.484G>T on transcript NM_002230.4 (MANE Select); coding-DNA position 484, G replaced by T.
Protein change: p.Ala162Ser; replaces alanine 162 with serine.
Molecular consequence: missense variant.
Genome position (GRCh38, 1-based): chr17:41,769,192, C>A on the plus strand (G>T on the coding strand, the complement: JUP is on the minus strand). VCF-style: chr17-41769192-C-A. GRCh37 (hg19) VCF-style: chr17-39925444-C-A.
Other names: c.484G>T, p.Ala162Ser (NM_001352775.2, NM_001352776.2, NM_001352777.2 and 3 more transcripts); short protein forms A162S.
Identifiers: ClinVar variation 1450398 (VCV001450398.10), dbSNP rs1555605437, ClinGen allele CA399503612.